The following is an entry in ClinVar:

ClinVar aggregate classification (germline): Uncertain significance. Review status: criteria provided, multiple submitters, no conflicts (2 of 4 stars). 3 submissions from 3 submitters: Uncertain significance (2). 1 of the submissions does not count toward it. Last evaluated 2025-07-22.

Conditions:
RAD50-related disorder. Also called: RAD50-related condition.
Hereditary cancer-predisposing syndrome. Also called: Neoplastic Syndromes, Hereditary; Hereditary Cancer Syndrome; Hereditary neoplastic syndrome; Tumor predisposition. Identifiers: Orphanet 140162, MedGen C0027672, MeSH D009386, MONDO:0015356.

Allele frequency attached by ClinVar (database versions not stated): gnomAD exomes below 0.00001.
gnomAD v4.1: 1 of 1,612,704 alleles (0.000062%); highest among the groups gnomAD compares: Non-Finnish European, 0.000085%; no homozygotes.

Submissions (3):

Ambry Genetics
Classification: Uncertain significance for Hereditary cancer-predisposing syndrome. Last evaluated: 2025-07-22. Review status: criteria provided, single submitter. Criteria: Ambry Variant Classification Scheme 2023. Collection method: clinical testing. Allele origin: germline.
Comment: The p.H1057Q variant (also known as c.3171T>G), located in coding exon 21 of the RAD50 gene, results from a T to G substitution at nucleotide position 3171. The histidine at codon 1057 is replaced by glutamine, an amino acid with highly similar properties. This amino acid position is conserved. In addition, this alteration is predicted to be tolerated by in silico analysis. Based on the available evidence, the clinical significance of this variant remains unclear.

Labcorp Genetics (formerly Invitae), Labcorp
Classification: Uncertain significance for Hereditary cancer-predisposing syndrome. Last evaluated: 2022-09-01. Review status: criteria provided, single submitter. Criteria: Invitae Variant Classification Sherloc (09022015). Collection method: clinical testing. Allele origin: germline.
Comment: In summary, the available evidence is currently insufficient to determine the role of this variant in disease. Therefore, it has been classified as a Variant of Uncertain Significance. Algorithms developed to predict the effect of missense changes on protein structure and function output the following: SIFT: "Tolerated"; PolyPhen-2: "Benign"; Align-GVGD: "Class C0". The glutamine amino acid residue is found in multiple mammalian species, which suggests that this missense change does not adversely affect protein function. ClinVar contains an entry for this variant (Variation ID: 1060046). This variant has not been reported in the literature in individuals affected with RAD50-related conditions. This variant is not present in population databases (gnomAD no frequency). This sequence change replaces histidine, which is basic and polar, with glutamine, which is neutral and polar, at codon 1057 of the RAD50 protein (p.His1057Gln).

PreventionGenetics, part of Exact Sciences
Classification: Uncertain significance for RAD50-related condition. Last evaluated: 2024-05-10. Review status: no assertion criteria provided. Collection method: clinical testing. Allele origin: germline. Not counted in ClinVar's aggregate classification.
Comment: The RAD50 c.3171T>G variant is predicted to result in the amino acid substitution p.His1057Gln. To our knowledge, this variant has not been reported in the literature or in a large population database indicating this variant is rare and is listed in ClinVar as variant of uncertain significance. At this time, the clinical significance of this variant is uncertain due to the absence of conclusive functional and genetic evidence.

NM_005732.4(RAD50):c.3171T>G (p.His1057Gln)

Gene: RAD50 (RAD50 double strand break repair protein; plus strand). Cytogenetic location: 5q31.1.
Variant type: single nucleotide variant.
Coding change: c.3171T>G on transcript NM_005732.4 (MANE Select); coding-DNA position 3171, T replaced by G.
Protein change: p.His1057Gln; replaces histidine 1057 with glutamine.
Molecular consequence: missense variant.
Genome position (GRCh38, 1-based): chr5:132,618,076, T>G. VCF-style: chr5-132618076-T-G. GRCh37 (hg19) VCF-style: chr5-131953768-T-G.
Other names: c.3171T>G (NM_005732.3); short protein forms H1057Q.
Identifiers: ClinVar variation 1060046 (VCV001060046.9), dbSNP rs746352608, ClinGen allele CA360964193.